The following is an entry in ClinVar:

NM_001372.4(DNAH9):c.4487C>T (p.Ser1496Leu)

Gene: DNAH9 (dynein axonemal heavy chain 9; plus strand). Cytogenetic location: 17p12.
Variant type: single nucleotide variant.
Coding change: c.4487C>T on transcript NM_001372.4 (MANE Select); coding-DNA position 4487, C replaced by T.
Protein change: p.Ser1496Leu; replaces serine 1496 with leucine.
Molecular consequence: missense variant.
Genome position (GRCh38, 1-based): chr17:11,690,309, C>T. VCF-style: chr17-11690309-C-T. GRCh37 (hg19) VCF-style: chr17-11593626-C-T.
Other names: short protein forms S1496L.
Identifiers: ClinVar variation 1483768 (VCV001483768.3), dbSNP rs370051517, ClinGen allele CA8395678.

ClinVar aggregate classification (germline): Uncertain significance (1 of 4 stars; one submission).

Allele frequency attached by ClinVar (database versions not stated): gnomAD exomes 0.00003 and 0.00006; ExAC 0.00005; TOPMed 0.00010; gnomAD 0.00012; ESP Exome Variant Server 0.00023.
gnomAD v4.1: 68 of 1,614,006 alleles (0.0042%); highest among the groups gnomAD compares: Middle Eastern, 0.049%; no homozygotes.

Submission:

Labcorp Genetics (formerly Invitae), Labcorp
Classification: Uncertain significance. Last evaluated: 2021-11-17. Review status: criteria provided, single submitter. Criteria: Invitae Variant Classification Sherloc (09022015). Collection method: clinical testing. Allele origin: germline.
Comment: This sequence change replaces serine, which is neutral and polar, with leucine, which is neutral and non-polar, at codon 1496 of the DNAH9 protein (p.Ser1496Leu). This variant is present in population databases (rs370051517, gnomAD 0.03%). This variant has not been reported in the literature in individuals affected with DNAH9-related conditions. Algorithms developed to predict the effect of missense changes on protein structure and function output the following: SIFT: "Deleterious"; PolyPhen-2: "Benign"; Align-GVGD: "Class C0". The leucine amino acid residue is found in multiple mammalian species, which suggests that this missense change does not adversely affect protein function. In summary, the available evidence is currently insufficient to determine the role of this variant in disease. Therefore, it has been classified as a Variant of Uncertain Significance.